The following is an entry in ClinVar:

ClinVar aggregate classification (germline): Pathogenic (1 of 4 stars; one submission).

Conditions:
Neurodevelopmental disorder with regression, abnormal movements, loss of speech, and seizures. Identifiers: Orphanet 597623, MedGen C4748127, MONDO:0060759, OMIM 618088.

Submission:

Center for Genomics, Ann and Robert H. Lurie Children's Hospital of Chicago
Classification: Pathogenic for Neurodevelopmental disorder with regression, abnormal movements, loss of speech, and seizures. Last evaluated: 2022-10-04. Review status: criteria provided, single submitter. Criteria: ACMG Guidelines, 2015. Collection method: clinical testing. Allele origin: de novo. Observed: 1 variant allele.
Comment: This variant has not been reported in the literature and is not present in gnomAD; however, population data may be unreliable based on the NGS data quality in this region of the gene. This deletion of 32 nucleotides creates a premature stop codon 19 amino acid positions downstream from this location, which is expected to result in a severely truncated protein; truncating variants are a known mechanism of disease for this gene and many truncating variants downstream of this location have been reported in association with disease (Tran Mau-Them 2019 PMID: 30166628). Other similar frameshift variants have been reported in ClinVar (Variation IDs: 692072, 1202816). In summary, this variant is classified as pathogenic.

NM_024496.4(IRF2BPL):c.294_325del (p.Gln103fs)

Genes: IRF2BPL (interferon regulatory factor 2 binding protein like; minus strand), LOC107984638 (uncharacterized LOC107984638; plus strand). Cytogenetic location: 14q24.3.
Variant type: Deletion.
Coding change: c.294_325del on transcript NM_024496.4 (MANE Select); coding-DNA positions 294 to 325, 32 bases deleted.
Protein change: p.Gln103fs; shifts the reading frame from glutamine 103.
Molecular consequence: frameshift variant.
Genome position (GRCh38, 1-based): chr14:77,027,468-77,027,499, 32 bases deleted; deleting any 32 consecutive bases within chr14:77,027,468-77,027,501 gives the same sequence; the c. name uses the placement nearest the transcript's 3' end. GRCh37 (hg19): chr14:77,493,813-77,493,844.
Other names: short protein forms Q103fs.
Identifiers: ClinVar variation 2664080 (VCV002664080.1), dbSNP rs2503078942, ClinGen allele CA2695199847.